The following is an entry in ClinVar:

NM_001384900.1(SEMA3D):c.2128C>T (p.Arg710Trp)

Genes: SEMA3D (semaphorin 3D; minus strand), LOC126860094 (BRD4-independent group 4 enhancer GRCh37_chr7:84628763-84629962; plus strand). Cytogenetic location: 7q21.11.
Variant type: single nucleotide variant.
Coding change: c.2128C>T on transcript NM_001384900.1 (MANE Select); coding-DNA position 2128, C replaced by T.
Protein change: p.Arg710Trp; replaces arginine 710 with tryptophan.
Molecular consequence: missense variant.
Genome position (GRCh38, 1-based): chr7:84,999,646, G>A on the plus strand (C>T on the coding strand, the complement: SEMA3D is on the minus strand). VCF-style: chr7-84999646-G-A. GRCh37 (hg19) VCF-style: chr7-84628962-G-A.
Other names: c.2128C>T, p.Arg710Trp (NM_001384901.1, NM_001384902.1, NM_001384903.1 and 1 more transcripts); short protein forms R710W.
Identifiers: ClinVar variation 4987940 (VCV004987940.1).

ClinVar aggregate classification (germline): Uncertain significance (1 of 4 stars; one submission).

Conditions:
SEMA3D-related disorder. Also called: SEMA3D-related condition.

gnomAD v4.1: 8 of 1,613,980 alleles (0.0005%); highest among the groups gnomAD compares: Admixed American, 0.0017%; no homozygotes.

Submission:

PreventionGenetics, part of Exact Sciences
Classification: Uncertain significance for SEMA3D-related condition. Last evaluated: 2026-08-06. Review status: criteria provided, single submitter. Criteria: ACMG Guidelines, 2015. Collection method: clinical testing. Allele origin: germline.
Comment: The SEMA3D c.2128C>T variant is predicted to result in the amino acid substitution p.Arg710Trp. To our knowledge, this variant has not been reported in the literature. This variant is reported in 0.0029% of alleles in individuals of Latino descent in gnomAD. At this time, the clinical significance of this variant is uncertain due to the absence of conclusive functional and genetic evidence.